The following is an entry in ClinVar:

ClinVar aggregate classification (germline): Uncertain significance (1 of 4 stars; one submission).

Conditions:
Familial hypocalciuric hypercalcemia (FHH). Also called: Familial benign hypercalcemia. Identifiers: Orphanet 405, MedGen C1809471, MONDO:0018458.
Autosomal dominant hypocalcemia 1 (HYPOC1). Also called: HYPOCALCEMIA, FAMILIAL. Identifiers: MedGen C3715128, MONDO:0011013, OMIM 601198.

Allele frequency attached by ClinVar (database versions not stated): gnomAD exomes below 0.00001; ExAC 0.00001.

Submission:

Labcorp Genetics (formerly Invitae), Labcorp
Classification: Uncertain significance for Familial hypocalciuric hypercalcemia; Autosomal dominant hypocalcemia 1. Last evaluated: 2023-10-10. Review status: criteria provided, single submitter. Criteria: Invitae Variant Classification Sherloc (09022015). Collection method: clinical testing. Allele origin: germline.
Comment: This sequence change replaces aspartic acid, which is acidic and polar, with asparagine, which is neutral and polar, at codon 216 of the CASR protein (p.Asp216Asn). This variant is present in population databases (rs768766649, gnomAD 0.0009%). This variant has not been reported in the literature in individuals affected with CASR-related conditions. ClinVar contains an entry for this variant (Variation ID: 532616). An algorithm developed to predict the effect of missense changes on protein structure and function (PolyPhen-2) suggests that this variant is likely to be disruptive. In summary, the available evidence is currently insufficient to determine the role of this variant in disease. Therefore, it has been classified as a Variant of Uncertain Significance.

NM_000388.4(CASR):c.646G>A (p.Asp216Asn)

Gene: CASR (calcium sensing receptor; plus strand). Cytogenetic location: 3q21.1.
Variant type: single nucleotide variant.
Coding change: c.646G>A on transcript NM_000388.4 (MANE Select); coding-DNA position 646, G replaced by A.
Protein change: p.Asp216Asn; replaces aspartic acid 216 with asparagine.
Molecular consequence: missense variant.
Genome position (GRCh38, 1-based): chr3:122,261,681, G>A. VCF-style: chr3-122261681-G-A. GRCh37 (hg19) VCF-style: chr3-121980528-G-A.
Other names: c.646G>A, p.Asp216Asn (NM_001178065.2); short protein forms D216N.
Identifiers: ClinVar variation 532616 (VCV000532616.10), dbSNP rs768766649, ClinGen allele CA2569516.
Genomic context (GRCh38, chr3:122,261,681, plus strand): 5'-GCCATGGCAGACATCATCGAGTATTTCCGCTGGAACTGGGTGGGCACAATTGCAGCTGAT[G>A]ACGACTATGGGCGGCCGGGGATTGAGAAATTCCGAGAGGAAGCTGAGGAAAGGGATATCT-3'
Protein context (NP_000379.3, residues 206-226): WNWVGTIAAD[Asp216Asn]DYGRPGIEKF